The following is an entry in ClinVar:

ClinVar aggregate classification (germline): Uncertain significance. Review status: criteria provided, multiple submitters, no conflicts (2 of 4 stars). 3 submissions from 3 submitters: Uncertain significance (3). Last evaluated 2025-12-24.

Conditions:
Epidermolysis bullosa simplex 5B, with muscular dystrophy (EBS5B). Also called: Epidermolysis bullosa simplex with muscular dystrophy; EPIDERMOLYSIS BULLOSA SIMPLEX AND LIMB-GIRDLE MUSCULAR DYSTROPHY. Identifiers: Orphanet 257, MedGen C2931072, MONDO:0009181, OMIM 226670.
Epidermolysis bullosa simplex, Ogna type (EBS5A). Also called: Pidermolysis bullosa simplex 5A, Ogna type; EPIDERMOLYSIS BULLOSA SIMPLEX 5A, OGNA TYPE. Identifiers: Orphanet 79401, MedGen C0432317, MONDO:0007555, OMIM 131950.
Autosomal recessive limb-girdle muscular dystrophy type 2Q (LGMDR17). Also called: MUSCULAR DYSTROPHY, LIMB-GIRDLE, AUTOSOMAL RECESSIVE 17. Identifiers: Orphanet 254361, MedGen C3150989, MONDO:0013390, OMIM 613723.
Epidermolysis bullosa simplex with nail dystrophy (EBS5D). Identifiers: MedGen C4225309, MONDO:0014661, OMIM 616487.
Epidermolysis bullosa simplex 5C, with pyloric atresia (EBS5C). Also called: Epidermolysis bullosa simplex with pyloric atresia; PLEC-Related Epidermolysis Bullosa with Pyloric Atresia; PLEC1-Related Epidermolysis Bullosa with Pyloric Atresia. Identifiers: Orphanet 158684, MedGen C2677349, MONDO:0012807, OMIM 612138.
Inborn genetic diseases. Identifiers: MedGen C0950123, MeSH D030342.

Allele frequency attached by ClinVar (database versions not stated): gnomAD 0.00001; gnomAD exomes 0.00001; TOPMed 0.00003.
gnomAD v4.1: 10 of 1,612,160 alleles (0.00062%); highest among the groups gnomAD compares: Admixed American, 0.005%; no homozygotes.

Submissions (3):

Labcorp Genetics (formerly Invitae), Labcorp
Classification: Uncertain significance for Autosomal recessive limb-girdle muscular dystrophy type 2Q; Epidermolysis bullosa simplex, Ogna type; Epidermolysis bullosa simplex with nail dystrophy; Epidermolysis bullosa simplex 5C, with pyloric atresia; Epidermolysis bullosa simplex 5B, with muscular dystrophy. Last evaluated: 2025-12-24. Review status: criteria provided, single submitter. Criteria: Invitae Variant Classification Sherloc (09022015). Collection method: clinical testing. Allele origin: germline.
Comment: This sequence change replaces valine, which is neutral and non-polar, with isoleucine, which is neutral and non-polar, at codon 2777 of the PLEC protein (p.Val2777Ile). This variant is present in population databases (no rsID available, gnomAD 0.008%). This variant has not been reported in the literature in individuals affected with PLEC-related conditions. ClinVar contains an entry for this variant (Variation ID: 961173). An algorithm developed to predict the effect of missense changes on protein structure and function (PolyPhen-2) suggests that this variant is likely to be disruptive. In summary, the available evidence is currently insufficient to determine the role of this variant in disease. Therefore, it has been classified as a Variant of Uncertain Significance.

Ambry Genetics
Classification: Uncertain significance for Inborn genetic diseases. Last evaluated: 2024-02-06. Review status: criteria provided, single submitter. Criteria: Ambry Variant Classification Scheme 2023. Collection method: clinical testing. Allele origin: germline.

Revvity Omics, Revvity
Classification: Uncertain significance. Last evaluated: 2019-04-03. Review status: criteria provided, single submitter. Criteria: ACMG Guidelines, 2015. Collection method: clinical testing. Allele origin: germline.

NM_201384.3(PLEC):c.8248G>A (p.Val2750Ile)

Gene: PLEC (plectin; minus strand). Cytogenetic location: 8q24.3.
Variant type: single nucleotide variant.
Coding change: c.8248G>A on transcript NM_201384.3 (MANE Select); coding-DNA position 8248, G replaced by A.
Protein change: p.Val2750Ile; replaces valine 2750 with isoleucine.
Molecular consequence: missense variant.
Genome position (GRCh38, 1-based): chr8:143,921,573, C>T on the plus strand (G>A on the coding strand, the complement: PLEC is on the minus strand). VCF-style: chr8-143921573-C-T. GRCh37 (hg19) VCF-style: chr8-144995741-C-T.
Other names: c.8329G>A (NM_000445.3); c.8329G>A, p.Val2777Ile (NM_000445.5); c.8206G>A, p.Val2736Ile (NM_201378.4); c.8182G>A, p.Val2728Ile (NM_201379.3); c.8659G>A, p.Val2887Ile (NM_201380.4); c.8152G>A, p.Val2718Ile (NM_201381.3); c.8248G>A, p.Val2750Ile (NM_201382.4); c.8260G>A, p.Val2754Ile (NM_201383.3); short protein forms V2728I, V2750I, V2754I, V2718I, V2887I, V2736I, V2777I.
Identifiers: ClinVar variation 961173 (VCV000961173.10), dbSNP rs982482662, ClinGen allele CA187612286.
Genomic context (GRCh38, chr8:143,921,573, plus strand): 5'-CCGACAGCAGCTTGTGGTGCAGCTCGGGGCCCACCACACCCTCCTTCACAGCCTCGTTGA[C>T]GGTCAGCCGCCGGTTCCGCACAGGGTCCAGCAGGAAGCCTGAGGCCGCCTGCGCCTCCAG-3'
Protein context (NP_958786.1, residues 2740-2760): LDPVRNRRLT[Val2750Ile]NEAVKEGVVG